The following is an entry in ClinVar:

ClinVar aggregate classification (germline): Conflicting classifications of pathogenicity. Review status: criteria provided, conflicting classifications (1 of 4 stars). 5 submissions from 5 submitters: Uncertain significance (4); Likely benign (1). Last evaluated 2026-01-06.

Conditions:
DDX41-related hematologic malignancy predisposition syndrome. Also called: Myeloproliferative/lymphoproliferative neoplasms, familial (multiple types), susceptibility to; DDX41-Associated Familial Myelodysplastic Syndrome and Acute Myeloid Leukemia. Identifiers: Orphanet 488647, MedGen C4225174, MONDO:0014809, OMIM 616871.
Inborn genetic diseases. Identifiers: MedGen C0950123, MeSH D030342.
DDX41-related disorder. Also called: DDX41-related condition.

Allele frequency attached by ClinVar (database versions not stated): gnomAD exomes below 0.00001; ExAC 0.00002; gnomAD 0.00004; TOPMed 0.00004.
gnomAD v4.1: 8 of 1,614,036 alleles (0.0005%); highest among the groups gnomAD compares: African/African-American, 0.011%; no homozygotes.

Submissions (5):

Labcorp Genetics (formerly Invitae), Labcorp
Classification: Uncertain significance. Last evaluated: 2026-01-06. Review status: criteria provided, single submitter. Criteria: Invitae Variant Classification Sherloc (09022015). Collection method: clinical testing. Allele origin: germline.
Comment: This sequence change replaces histidine, which is basic and polar, with arginine, which is basic and polar, at codon 617 of the DDX41 protein (p.His617Arg). The frequency data for this variant in the population databases is considered unreliable, as metrics indicate poor data quality at this position in the gnomAD database. This variant has not been reported in the literature in individuals affected with DDX41-related conditions. ClinVar contains an entry for this variant (Variation ID: 2629530). An algorithm developed to predict the effect of missense changes on protein structure and function (PolyPhen-2) suggests that this variant is likely to be tolerated. In summary, the available evidence is currently insufficient to determine the role of this variant in disease. Therefore, it has been classified as a Variant of Uncertain Significance.

Ambry Genetics
Classification: Likely benign for Inborn genetic diseases. Last evaluated: 2025-11-07. Review status: criteria provided, single submitter. Criteria: Ambry Variant Classification Scheme 2023. Collection method: clinical testing. Allele origin: germline.

GeneDx
Classification: Uncertain significance. Last evaluated: 2024-04-16. Review status: criteria provided, single submitter. Criteria: GeneDx Variant Classification Process June 2021. Collection method: clinical testing. Allele origin: germline. Affected: yes.
Comment: Not observed at significant frequency in large population cohorts (gnomAD); In silico analysis indicates that this missense variant does not alter protein structure/function; Has not been previously published as pathogenic or benign to our knowledge

Baylor Genetics
Classification: Uncertain significance for DDX41-related hematologic malignancy predisposition syndrome. Last evaluated: 2023-06-09. Review status: criteria provided, single submitter. Criteria: ACMG Guidelines, 2015. Collection method: clinical testing. Allele origin: unknown.

PreventionGenetics, part of Exact Sciences
Classification: Uncertain significance for DDX41-related condition. Last evaluated: 2023-01-31. Review status: criteria provided, single submitter. Criteria: ACMG Guidelines, 2015. Collection method: clinical testing. Allele origin: germline.
Comment: The DDX41 c.1850A>G variant is predicted to result in the amino acid substitution p.His617Arg. To our knowledge, this variant has not been reported in the literature. This variant is reported in 0.012% of alleles in individuals of African descent in gnomAD. At this time, the clinical significance of this variant is uncertain due to the absence of conclusive functional and genetic evidence.

NM_016222.4(DDX41):c.1850A>G (p.His617Arg)

Gene: DDX41 (DEAD-box helicase 41; minus strand). Cytogenetic location: 5q35.3.
Variant type: single nucleotide variant.
Coding change: c.1850A>G on transcript NM_016222.4 (MANE Select); coding-DNA position 1850, A replaced by G.
Protein change: p.His617Arg; replaces histidine 617 with arginine.
Molecular consequence: missense variant.
Genome position (GRCh38, 1-based): chr5:177,511,810, T>C on the plus strand (A>G on the coding strand, the complement: DDX41 is on the minus strand). VCF-style: chr5-177511810-T-C. GRCh37 (hg19) VCF-style: chr5-176938811-T-C.
Other names: c.1472A>G, p.His491Arg (NM_001321830.2, NM_001321732.2); c.1850A>G (NM_016222.2); short protein forms H491R, H617R.
Identifiers: ClinVar variation 2629530 (VCV002629530.5), dbSNP rs771535420, ClinGen allele CA3584603.